The following is an entry in ClinVar:

ClinVar aggregate classification (germline): Uncertain significance (1 of 4 stars; one submission).

Submission:

GeneDx
Classification: Uncertain significance. Last evaluated: 2026-02-20. Review status: criteria provided, single submitter. Criteria: GeneDx Variant Classification Process June 2021. Collection method: clinical testing. Allele origin: germline.
Comment: Not observed at significant frequency in large population cohorts (gnomAD); In silico analysis supports that this missense variant has a deleterious effect on protein structure/function; Has not been previously published as pathogenic or benign to our knowledge

NM_001395002.1(MAP4K4):c.584T>A (p.Met195Lys)

Gene: MAP4K4 (mitogen-activated protein kinase kinase kinase kinase 4; plus strand). Cytogenetic location: 2q11.2.
Variant type: single nucleotide variant.
Coding change: c.584T>A on transcript NM_001395002.1 (MANE Select); coding-DNA position 584, T replaced by A.
Protein change: p.Met195Lys; replaces methionine 195 with lysine.
Molecular consequence: missense variant. On other transcripts: non-coding transcript variant (4).
Genome position (GRCh38, 1-based): chr2:101,831,796, T>A. VCF-style: chr2-101831796-T-A. GRCh37 (hg19) VCF-style: chr2-102448258-T-A.
Other names: c.584T>A, p.Met195Lys (NM_001242559.2, NM_001242560.2, NM_001384476.1 and 29 more transcripts); c.-160T>A (NM_001384489.1, NM_001384505.1, NM_001384544.1 and 1 more transcripts); c.557T>A, p.Met186Lys (NM_001384549.1, NM_001384550.1, NM_001384551.1 and 16 more transcripts); short protein forms M186K, M195K.
Identifiers: ClinVar variation 2580438 (VCV002580438.2), dbSNP rs2466904177, ClinGen allele CA347979143.